The following is an entry in ClinVar:

NM_000522.5(HOXA13):c.532T>C (p.Tyr178His)

Genes: HOXA13 (homeobox A13; minus strand), LOC107126288 (NUP98-HOXA13 recombination region; plus strand). Cytogenetic location: 7p15.2.
Variant type: single nucleotide variant.
Coding change: c.532T>C on transcript NM_000522.5 (MANE Select); coding-DNA position 532, T replaced by C.
Protein change: p.Tyr178His; replaces tyrosine 178 with histidine.
Molecular consequence: missense variant.
Genome position (GRCh38, 1-based): chr7:27,199,546, A>G on the plus strand (T>C on the coding strand, the complement: HOXA13 is on the minus strand). VCF-style: chr7-27199546-A-G. GRCh37 (hg19) VCF-style: chr7-27239165-A-G.
Other names: short protein forms Y178H.
Identifiers: ClinVar variation 4991103 (VCV004991103.1).

ClinVar aggregate classification (germline): Uncertain significance (1 of 4 stars; one submission).

Conditions:
HOXA13-related disorder. Also called: HOXA13-related condition.

Submission:

PreventionGenetics, part of Exact Sciences
Classification: Uncertain significance for HOXA13-related condition. Last evaluated: 2026-05-18. Review status: criteria provided, single submitter. Criteria: ACMG Guidelines, 2015. Collection method: clinical testing. Allele origin: germline.
Comment: The HOXA13 c.532T>C variant is predicted to result in the amino acid substitution p.Tyr178His. To our knowledge, this variant has not been reported in the literature. This variant is reported in 0.0077% of alleles in individuals of East Asian descent in gnomAD. At this time, the clinical significance of this variant is uncertain due to the absence of conclusive functional and genetic evidence.